The following is an entry in ClinVar:

NM_012398.3(PIP5K1C):c.1752C>T (p.Ser584=)

Gene: PIP5K1C (phosphatidylinositol-4-phosphate 5-kinase type 1 gamma; minus strand). Cytogenetic location: 19p13.3.
Variant type: single nucleotide variant.
Coding change: c.1752C>T on transcript NM_012398.3 (MANE Select); coding-DNA position 1752, C replaced by T.
Protein change: p.Ser584=; no amino-acid change (serine 584 retained).
Molecular consequence: synonymous variant.
Genome position (GRCh38, 1-based): chr19:3,641,740, G>A on the plus strand (C>T on the coding strand, the complement: PIP5K1C is on the minus strand). VCF-style: chr19-3641740-G-A. GRCh37 (hg19) VCF-style: chr19-3641738-G-A.
Other names: c.1752C>T, p.Ser584= (NM_001195733.2, NM_001300849.2).
Identifiers: ClinVar variation 722420 (VCV000722420.7), dbSNP rs114198000, ClinGen allele CA9082096.
Genomic context (GRCh38, chr19:3,641,740, plus strand): 5'-GACCTCCCGCCGAGGCCGTGCTCACCCTGCGTCCTCCTCTTTGGGGACCACAATCTCCAC[G>A]CTGCACGCAGGCTCCACCTGCACTGTAATCTGCTGCAGATCCTCTTCCGCGGGTGGCTCC-3'
Protein context (NP_036530.1, residues 574-594): QITVQVEPAC[Ser584=]VEIVVPKEED

ClinVar aggregate classification (germline): Benign/Likely benign. Review status: criteria provided, multiple submitters, no conflicts (2 of 4 stars). 4 submissions from 4 submitters: Benign (2); Likely benign (1). 1 of the submissions does not count toward it. Last evaluated 2024-09-16.

Conditions:
PIP5K1C-related disorder. Also called: PIP5K1C-related condition.

Allele frequency attached by ClinVar (database versions not stated): gnomAD exomes 0.00044; ExAC 0.00053; ESP Exome Variant Server 0.00138; gnomAD 0.00139 and 0.00145; TOPMed 0.00156; 1000 Genomes Project 0.00300; 1000 Genomes Project 30x 0.00312.
gnomAD v4.1: 403 of 1,610,840 alleles (0.025%); highest among the groups gnomAD compares: African/African-American, 0.4%; 2 homozygotes.

Submissions (4):

Blueprint Genetics
Classification: Likely benign. Last evaluated: 2024-09-16. Review status: criteria provided, single submitter. Criteria: ACMG Guidelines, 2015. Collection method: clinical testing. Allele origin: germline.

Labcorp Genetics (formerly Invitae), Labcorp
Classification: Benign. Last evaluated: 2018-12-19. Review status: criteria provided, single submitter. Criteria: Invitae Variant Classification Sherloc (09022015). Collection method: clinical testing. Allele origin: germline.

Breakthrough Genomics
Classification: Benign. Review status: criteria provided, single submitter. Criteria: ACMG Guidelines, 2015. Collection method: not provided. Allele origin: germline. Inheritance: Autosomal recessive inheritance. Affected: yes.

PreventionGenetics, part of Exact Sciences
Classification: Likely benign for PIP5K1C-related condition. Last evaluated: 2019-05-20. Review status: no assertion criteria provided. Collection method: clinical testing. Allele origin: germline. Not counted in ClinVar's aggregate classification.
Comment: This variant is classified as likely benign based on ACMG/AMP sequence variant interpretation guidelines (Richards et al. 2015 PMID: 25741868, with internal and published modifications).